The following is an entry in ClinVar:

ClinVar aggregate classification (germline): Likely pathogenic (1 of 4 stars; one submission).

Conditions:
Androgen resistance syndrome (AIS). Also called: Androgen insensitivity, complete; Androgen insensitivity syndrome; DHTR DEFICIENCY; ANDROGEN RECEPTOR DEFICIENCY; DIHYDROTESTOSTERONE RECEPTOR DEFICIENCY; TESTICULAR FEMINIZATION SYNDROME. Identifiers: Orphanet 754, Orphanet 99429, MedGen C0039585, MONDO:0019154, OMIM 300068. Disease mechanism: loss of function.
Kennedy disease (SMAX1). Also called: Spinal and Bulbar Muscular Atrophy; SPINAL AND BULBAR MUSCULAR ATROPHY, X-LINKED 1; KENNEDY SPINAL AND BULBAR MUSCULAR ATROPHY. Identifiers: Orphanet 481, MedGen C1839259, MONDO:0010735, OMIM 313200.

Submission:

Labcorp Genetics (formerly Invitae), Labcorp
Classification: Likely pathogenic for Kennedy disease; Androgen resistance syndrome. Last evaluated: 2017-11-10. Review status: criteria provided, single submitter. Criteria: Invitae Variant Classification Sherloc (09022015). Collection method: clinical testing. Allele origin: germline.
Comment: This sequence change replaces valine with isoleucine at codon 685 of the AR protein (p.Val685Ile). The valine residue is highly conserved and there is a small physicochemical difference between valine and isoleucine. This variant is not present in population databases (ExAC no frequency). This variant has been reported in an individual affected with complete androgen insensitivity syndrome (PMID: 10425033). Experimental studies have shown that this missense change inhibits the androgen binding activity of the androgen receptor protein (PMID: 10425033). In summary, the currently available evidence indicates that the variant is pathogenic, but additional data are needed to prove that conclusively. Therefore, this variant has been classified as Likely Pathogenic.

Literature cited by the submitters: PubMed 10425033.

NM_000044.6(AR):c.2053G>A (p.Val685Ile)

Gene: AR (androgen receptor; plus strand). Cytogenetic location: Xq12.
Variant type: single nucleotide variant.
Coding change: c.2053G>A on transcript NM_000044.6 (MANE Select); coding-DNA position 2053, G replaced by A.
Protein change: p.Val685Ile; replaces valine 685 with isoleucine.
Molecular consequence: missense variant.
Genome position (GRCh38, 1-based): chrX:67,711,569, G>A. VCF-style: chrX-67711569-G-A. GRCh37 (hg19) VCF-style: chrX-66931411-G-A.
Other names: c.457G>A, p.Val153Ile (NM_001011645.3); short protein forms V685I, V153I.
Identifiers: ClinVar variation 533378 (VCV000533378.1), dbSNP rs1555995822, ClinGen allele CA413423307.